The following is an entry in ClinVar:

ClinVar aggregate classification (germline): Uncertain significance (1 of 4 stars; one submission).

Conditions:
Hereditary cancer-predisposing syndrome. Also called: Neoplastic Syndromes, Hereditary; Tumor predisposition; Hereditary Cancer Syndrome; Hereditary neoplastic syndrome. Identifiers: Orphanet 140162, MedGen C0027672, MeSH D009386, MONDO:0015356.

Allele frequency attached by ClinVar (database versions not stated): gnomAD exomes below 0.00001.
gnomAD v4.1: 1 of 1,613,832 alleles (0.000062%); highest among the groups gnomAD compares: East Asian, 0.0022%; no homozygotes.

Submission:

Ambry Genetics
Classification: Uncertain significance for Hereditary cancer-predisposing syndrome. Last evaluated: 2026-06-02. Review status: criteria provided, single submitter. Criteria: Ambry Variant Classification Scheme 2023. Collection method: clinical testing. Allele origin: germline.
Comment: The p.I139T variant (also known as c.416T>C), located in coding exon 4 of the SDHA gene, results from a T to C substitution at nucleotide position 416. The isoleucine at codon 139 is replaced by threonine, an amino acid with similar properties. This amino acid position is highly conserved in available vertebrate species. In addition, this alteration is predicted to be deleterious by in silico analysis. Based on the available evidence, the clinical significance of this variant remains unclear.

NM_004168.4(SDHA):c.416T>C (p.Ile139Thr)

Gene: SDHA (succinate dehydrogenase complex flavoprotein subunit A; plus strand). Cytogenetic location: 5p15.33.
Variant type: single nucleotide variant.
Coding change: c.416T>C on transcript NM_004168.4 (MANE Select); coding-DNA position 416, T replaced by C.
Protein change: p.Ile139Thr; replaces isoleucine 139 with threonine.
Molecular consequence: missense variant. On other transcripts: intron variant (1).
Genome position (GRCh38, 1-based): chr5:225,522, T>C. VCF-style: chr5-225522-T-C. GRCh37 (hg19) VCF-style: chr5-225637-T-C.
Other names: c.416T>C, p.Ile139Thr (NM_001330758.2); c.313-361T>C (NM_001294332.2); short protein forms I139T.
Identifiers: ClinVar variation 1738415 (VCV001738415.3), dbSNP rs2477295344, ClinGen allele CA359009561.